The following is an entry in ClinVar:

ClinVar aggregate classification (germline): Likely pathogenic. Review status: criteria provided, multiple submitters, no conflicts (2 of 4 stars). 4 submissions from 4 submitters: Likely pathogenic (4). Last evaluated 2026-04-29.

Conditions:
TTN-related disorder. Also called: TTN-related disorders; TTN-related condition; TTN-related disease.
Cardiovascular phenotype. Identifiers: MedGen CN230736.
Dilated cardiomyopathy 1G (CMD1G). Identifiers: Orphanet 154, MedGen C1858763, MONDO:0011400, OMIM 604145.
Autosomal recessive limb-girdle muscular dystrophy type 2J (LGMDR10). Also called: MUSCULAR DYSTROPHY, LIMB-GIRDLE, AUTOSOMAL RECESSIVE 10; Limb-girdle muscular dystrophy, type 2J. Identifiers: Orphanet 140922, MedGen C1837342, MONDO:0012127, OMIM 608807.

Allele frequency attached by ClinVar (database versions not stated): gnomAD exomes below 0.00001.
gnomAD v4.1: 12 of 1,613,724 alleles (0.00074%); highest among the groups gnomAD compares: Non-Finnish European, 0.001%; no homozygotes.

Submissions (4):

PreventionGenetics, part of Exact Sciences
Classification: Likely pathogenic for TTN-related condition. Last evaluated: 2026-04-29. Review status: criteria provided, single submitter. Criteria: ACMG Guidelines, 2015. Collection method: clinical testing. Allele origin: germline.
Comment: The TTN c.12742C>T variant is predicted to result in premature protein termination (p.Gln4248*). This variant has been reported in dilated cardiomyopathy cohorts (Table S1A, Walsh et al. 2017. PubMed ID: 27532257; Table S9, McGurk et al. 2023. PubMed ID: 37652022). However, it has been documented as a non-segregating variant in a family with dilated cardiomyopathy (described as p.Gln3885*, Norton et al. 2013. PubMed ID: 23418287). This variant is reported in 0.00089% of alleles in individuals of European (Non-Finnish) descent in gnomAD. This variant is located in the TTN protein I-band region. RNAseq studies from heart tissue indicate this exon is commonly included in TTN mRNA transcripts (PSI of 100%, Roberts et al. 2015. PubMed ID: 25589632). TTN loss-of-function variants occurring in constitutively expressed exons (PSI > 90%) are more likely to be disease causing for TTN cardiac-related disorders regardless of band location (Roberts et al. 2015. PubMed ID: 25589632; Schafer et al. 2017. PubMed ID: 27869827; Akhtar et al. 2020. PubMed ID: 32964742). Many cases of recessive TTN-related myopathies in which the individual is compound heterozygous for two loss-of-function variants in TTN have also been reported (Oates et al. 2018. PubMed ID: 29691892; Ge et al. 2019. PubMed ID: 31053406; Rees et al. 2021. PubMed ID: 33449170). In summary, this variant is categorized as likely pathogenic. Of note, this variant is considered likely pathogenic for increased risk of TTN-related cardiac disorders, and also for autosomal recessive TTN-related congenital titinopathies.

Labcorp Genetics (formerly Invitae), Labcorp
Classification: Likely pathogenic for Dilated cardiomyopathy 1G; Autosomal recessive limb-girdle muscular dystrophy type 2J. Last evaluated: 2025-10-01. Review status: criteria provided, single submitter. Criteria: Invitae Variant Classification Sherloc (09022015). Collection method: clinical testing. Allele origin: germline.
Comment: This sequence change creates a premature translational stop signal (p.Gln4248*) in the TTN gene. While this is not anticipated to result in nonsense mediated decay, it is expected to create a truncated TTN protein. This variant is present in population databases (rs794729308, gnomAD 0.0009%). This variant has not been observed in the literature in individuals with autosomal recessive TTN-related conditions. This variant has been reported in individual(s) with dilated cardiomyopathy (PMID: 27532257, 37652022); however, the role of the variant in this condition is currently unclear. ClinVar contains an entry for this variant (Variation ID: 202432). This variant is located in the I band of TTN (PMID: 25589632). Truncating variants in this region have been reported in individuals affected with autosomal recessive centronuclear myopathy (PMID: 23975875, internal data). Truncating variants in this region have also been identified in individuals affected with autosomal dominant dilated cardiomyopathy and/or cardio-related conditions (PMID: 27869827, 32964742, internal data). In summary, the currently available evidence indicates that the variant is pathogenic, but additional data are needed to prove that conclusively. Therefore, this variant has been classified as Likely Pathogenic.

GeneDx
Classification: Likely pathogenic. Last evaluated: 2025-09-10. Review status: criteria provided, single submitter. Criteria: GeneDx Variant Classification Process June 2021. Collection method: clinical testing. Allele origin: germline. Affected: yes.
Comment: Not observed at significant frequency in large population cohorts (gnomAD); Located in a specific region of the I-band within TTN for which truncating variants are significantly associated with autosomal dominant cardiomyopathy and also with autosomal recessive skeletal myopathies (PMID: 27625338, 27869827, 32778822); This variant is associated with the following publications: (PMID: 27532257, 37652022, 36578016, 27625338, 27869827, 32778822)

Ambry Genetics
Classification: Likely pathogenic for Cardiovascular phenotype. Last evaluated: 2025-05-06. Review status: criteria provided, single submitter. Criteria: Ambry Variant Classification Scheme 2023. Collection method: clinical testing. Allele origin: germline.
Comment: The p.Q3885* variant (also known as c.11653C>T), located in coding exon 44 of the TTN gene, results from a C to T substitution at nucleotide position 11653. This changes the amino acid from a glutamine to a stop codon within coding exon 44. This exon is located in the I-band region of the N2-B isoform of the titin protein and is constitutively expressed in TTN transcripts (percent spliced in or PSI 100%). This variant (referred to as p.Q4248X) was reported in individual(s) with features consistent with dilated cardiomyopathy. (Walsh R et al. Genet. Med., 2017 02;19:192-203). This variant was also detected in a family with DCM where it was reported to not segregate with disease; however, details were limited (Norton N et al. Circ Cardiovasc Genet. 2013 Apr;6(2):144-53). This variant is considered to be rare based on population cohorts in the Genome Aggregation Database (gnomAD). This variant is expected to result in loss of function by premature protein truncation or nonsense-mediated mRNA decay. While truncating variants in TTN are present in 1-3% of the general population, truncating variants in the A-band are the most common cause of dilated cardiomyopathy (Herman DS et al. N. Engl. J. Med., 2012 Feb;366:619-28; Roberts AM et al. Sci Transl Med, 2015 Jan;7:270ra6). TTN truncating variants encoded in constitutive exons (PSI >90%) have been found to be significantly associated with DCM regardless of their position in titin (Schafer S et al. Nat. Genet., 2017 01;49:46-53; Akhtar MM et al. Circ Heart Fail, 2020 Oct;13:e006832; Massier M et al. Clin Genet, 2025 Jan). Based on the majority of available evidence to date, this variant is likely to be pathogenic.

Literature cited by the submitters: PubMed 27532257 (cited by Labcorp Genetics (formerly Invitae), Labcorp and Ambry Genetics); PubMed 37652022 (cited by Labcorp Genetics (formerly Invitae), Labcorp); PubMed 25589632 (cited by Labcorp Genetics (formerly Invitae), Labcorp); PubMed 23975875 (cited by Labcorp Genetics (formerly Invitae), Labcorp); PubMed 27869827 (cited by Labcorp Genetics (formerly Invitae), Labcorp); PubMed 32964742 (cited by Labcorp Genetics (formerly Invitae), Labcorp); PubMed 23418287 (cited by Ambry Genetics); PubMed 33432171 (cited by Ambry Genetics).

NM_001267550.2(TTN):c.12742C>T (p.Gln4248Ter)

Gene: TTN (titin; minus strand). Cytogenetic location: 2q31.2.
Variant type: single nucleotide variant.
Coding change: c.12742C>T on transcript NM_001267550.2 (MANE Select); coding-DNA position 12742, C replaced by T.
Protein change: p.Gln4248Ter; replaces glutamine 4248 with a stop codon.
Molecular consequence: nonsense. On other transcripts: intron variant (1).
Genome position (GRCh38, 1-based): chr2:178,740,491, G>A on the plus strand (C>T on the coding strand, the complement: TTN is on the minus strand). VCF-style: chr2-178740491-G-A. GRCh37 (hg19) VCF-style: chr2-179605218-G-A.
Other names: p.Q3931*:CAA>TAA; c.11791C>T, p.Gln3931Ter (NM_001256850.1); c.11653C>T, p.Gln3885Ter (NM_003319.4); c.12028C>T, p.Gln4010Ter (NM_133432.3); c.12229C>T, p.Gln4077Ter (NM_133437.4); c.10361-2131C>T (NM_133378.4); short protein forms Q3931*, Q4248*, Q4010*, Q4077*, Q3885*.
Identifiers: ClinVar variation 202432 (VCV000202432.19), dbSNP rs794729308, ClinGen allele CA309383.